The following is an entry in ClinVar:

NM_000391.4(TPP1):c.706C>G (p.His236Asp)

Gene: TPP1 (tripeptidyl peptidase 1; minus strand). Cytogenetic location: 11p15.4.
Variant type: single nucleotide variant.
Coding change: c.706C>G on transcript NM_000391.4 (MANE Select); coding-DNA position 706, C replaced by G.
Protein change: p.His236Asp; replaces histidine 236 with aspartic acid.
Molecular consequence: missense variant.
Genome position (GRCh38, 1-based): chr11:6,616,841, G>C on the plus strand (C>G on the coding strand, the complement: TPP1 is on the minus strand). VCF-style: chr11-6616841-G-C. GRCh37 (hg19) VCF-style: chr11-6638072-G-C.
Other names: short protein forms H236D.
Identifiers: ClinVar variation 1492275 (VCV001492275.5), dbSNP rs1414373834, ClinGen allele CA379475242.
Genomic context (GRCh38, chr11:6,616,841, plus strand): 5'-ATGCCTGATGTGCAAAGTTGCCACCGAAGAGGCGCATGAACTGAGCCAGGTCTGAGTCAT[G>C]GAAATACTGCTCCAGGAACTATGGAGGGAGTCAGAGCAGAGATCGTGGGTCCGAGGGTGA-3'
Protein context (NP_000382.3, residues 226-246): ACAQFLEQYF[His236Asp]DSDLAQFMRL

ClinVar aggregate classification (germline): Uncertain significance (1 of 4 stars; one submission).

Submission:

Labcorp Genetics (formerly Invitae), Labcorp
Classification: Uncertain significance. Last evaluated: 2021-09-17. Review status: criteria provided, single submitter. Criteria: Invitae Variant Classification Sherloc (09022015). Collection method: clinical testing. Allele origin: germline.
Comment: This sequence change replaces histidine with aspartic acid at codon 236 of the TPP1 protein (p.His236Asp). The histidine residue is moderately conserved and there is a moderate physicochemical difference between histidine and aspartic acid. This variant is not present in population databases (ExAC no frequency). This variant has not been reported in the literature in individuals with TPP1-related conditions. Algorithms developed to predict the effect of missense changes on protein structure and function are either unavailable or do not agree on the potential impact of this missense change (SIFT: "Tolerated"; PolyPhen-2: "Possibly Damaging"; Align-GVGD: "Class C0"). In summary, the available evidence is currently insufficient to determine the role of this variant in disease. Therefore, it has been classified as a Variant of Uncertain Significance.